The following is an entry in ClinVar:

ClinVar aggregate classification (germline): Uncertain significance (1 of 4 stars; one submission).

Allele frequency attached by ClinVar (database versions not stated): TOPMed 0.00001.

Submission:

Labcorp Genetics (formerly Invitae), Labcorp
Classification: Uncertain significance. Last evaluated: 2022-07-19. Review status: criteria provided, single submitter. Criteria: Invitae Variant Classification Sherloc (09022015). Collection method: clinical testing. Allele origin: germline.
Comment: In summary, the available evidence is currently insufficient to determine the role of this variant in disease. Therefore, it has been classified as a Variant of Uncertain Significance. Algorithms developed to predict the effect of missense changes on protein structure and function are either unavailable or do not agree on the potential impact of this missense change (SIFT: "Deleterious"; PolyPhen-2: "Benign"; Align-GVGD: "Class C0"). This variant has not been reported in the literature in individuals affected with SCO2-related conditions. This variant is not present in population databases (gnomAD no frequency). This sequence change replaces lysine, which is basic and polar, with glutamine, which is neutral and polar, at codon 196 of the SCO2 protein (p.Lys196Gln).

NM_005138.3(SCO2):c.586A>C (p.Lys196Gln)

Genes: NCAPH2 (non-SMC condensin II complex subunit H2; plus strand), SCO2 (synthesis of cytochrome C oxidase 2; minus strand). Cytogenetic location: 22q13.33.
Variant type: single nucleotide variant.
Coding change: c.586A>C on transcript NM_005138.3 (MANE Select); coding-DNA position 586, A replaced by C.
Protein change: p.Lys196Gln; replaces lysine 196 with glutamine.
Molecular consequence: missense variant. On other transcripts: 3 prime UTR variant (2).
Genome position (GRCh38, 1-based): chr22:50,523,826, T>G on the plus strand (A>C on the coding strand, the complement: SCO2 is on the minus strand). VCF-style: chr22-50523826-T-G. GRCh37 (hg19) VCF-style: chr22-50962255-T-G.
Other names: c.*451T>G (NM_152299.4, NM_001185011.2); c.586A>C, p.Lys196Gln (NM_001169109.2, NM_001169110.1, NM_001169111.2); short protein forms K196Q.
Identifiers: ClinVar variation 2067471 (VCV002067471.4), dbSNP rs1384381794, ClinGen allele CA412192052.
Genomic context (GRCh38, chr22:50,523,826, plus strand): 5'-CATCCTTGGGGCCTGCATTGTAGTACACGCGGTAACTGTGACTAGCCTGGGCAACCTGTT[T>G]GGTGGAGCCGGTCAGACCCAACAGTCTTGGGTGGAAGTCCTGGACGTAGCGGGCCATGGC-3'
Protein context (NP_005129.2, residues 186-206): PRLLGLTGST[Lys196Gln]QVAQASHSYR